The following is an entry in ClinVar:

ClinVar aggregate classification (germline): Likely pathogenic. Review status: reviewed by expert panel (3 of 4 stars). 3 submissions from 3 submitters: Likely pathogenic (1). 2 of the submissions do not count toward it. Last evaluated 2020-07-10.

Conditions:
Phenylketonuria (PKU). Also called: Phenylketonuria (PKU); FOLLING DISEASE; OLIGOPHRENIA PHENYLPYRUVICA; Phenylketonurias. Identifiers: Orphanet 716, MedGen C0031485, MONDO:0009861, OMIM 261600. Disease mechanism: loss of function.

Submissions (3):

ClinGen PAH Variant Curation Expert Panel
Classification: Likely pathogenic for Phenylketonuria. Last evaluated: 2020-07-10. Review status: reviewed by expert panel. Criteria: ClinGen PAH ACMG Specifications v1. Collection method: curation. Allele origin: germline. Inheritance: Autosomal recessive inheritance.
Comment: The c.1196T>C (p.Val399Ala) variant in PAH has been reported in multiple individuals with PKU (BH4 deficiency excluded) detected with pathogenic variants P281L, E178G PMID: 21147011, p.R408W PMID: 23062575, c.1066-11G>A PMID: 26666653, parental analysis not performed. This variant is absent in population databases. Multiple lines of computational evidence support a deleterious effect. In summary, this variant meets criteria to be classified as likely pathogenic for PAH. PAH-specific ACMG/AMP criteria applied: PP4_Moderate, PM2, PM3_strong, PP3.

Centre of Medical Genetics, University Hospital Muenster
Classification: Likely pathogenic. Last evaluated: 2021-12-08. Review status: criteria provided, single submitter. Criteria: ACMG Guidelines, 2015. Collection method: clinical testing. Allele origin: unknown. Affected: yes. Observed: 1 variant allele, 1 heterozygote. Not counted in ClinVar's aggregate classification.
Comment: ACMG categories: PM1,PM2,PP3,PP5,BP1

Inserm U 954, Faculté de Médecine de Nancy
Classification: Likely pathogenic for Phenylketonuria. Review status: no assertion criteria provided. Collection method: not provided. Allele origin: unknown. Not counted in ClinVar's aggregate classification.
Comment: PKU patients
ClinVar note: Converted during submission from probable-pathogenic to Likely pathogenic.

Literature cited by the submitters: PubMed 23062575 (cited by ClinGen PAH Variant Curation Expert Panel); PubMed 31332730 (cited by ClinGen PAH Variant Curation Expert Panel); PubMed 26666653 (cited by ClinGen PAH Variant Curation Expert Panel); PubMed 21147011 (cited by ClinGen PAH Variant Curation Expert Panel).

NM_000277.3(PAH):c.1196T>C (p.Val399Ala)

Gene: PAH (phenylalanine hydroxylase; minus strand). Cytogenetic location: 12q23.2.
Variant type: single nucleotide variant.
Coding change: c.1196T>C on transcript NM_000277.3 (MANE Select); coding-DNA position 1196, T replaced by C.
Protein change: p.Val399Ala; replaces valine 399 with alanine.
Molecular consequence: missense variant.
Genome position (GRCh38, 1-based): chr12:102,843,649, A>G on the plus strand (T>C on the coding strand, the complement: PAH is on the minus strand). VCF-style: chr12-102843649-A-G. GRCh37 (hg19) VCF-style: chr12-103237427-A-G.
Other names: c.1196T>C, p.Val399Ala (NM_001354304.2); short protein forms V399A.
Identifiers: ClinVar variation 120263 (VCV000120263.6), dbSNP rs281865436, ClinGen allele CA267634.